The following is an entry in ClinVar:

ClinVar aggregate classification (germline): Uncertain significance. Review status: criteria provided, multiple submitters, no conflicts (2 of 4 stars). 8 submissions from 8 submitters: Uncertain significance (8). Last evaluated 2026-01-26.

Conditions:
Cardiovascular phenotype. Identifiers: MedGen CN230736.
Catecholaminergic polymorphic ventricular tachycardia 5 (CARDAR). Also called: Ventricular tachycardia, catecholaminergic polymorphic, 5, with or without muscle weakness; CARDIAC ARRHYTHMIA SYNDROME, WITH OR WITHOUT SKELETAL MUSCLE WEAKNESS. Identifiers: Orphanet 3286, MedGen C3809536, MONDO:0014191, OMIM 615441.
Catecholaminergic polymorphic ventricular tachycardia 1. Also called: VENTRICULAR TACHYCARDIA, CATECHOLAMINERGIC POLYMORPHIC, 1, WITH OR WITHOUT ATRIAL DYSFUNCTION AND/OR DILATED CARDIOMYOPATHY; RYR2-Related Catecholaminergic Polymorphic Ventricular Tachycardia; VENTRICULAR TACHYCARDIA, STRESS-INDUCED POLYMORPHIC 1. Identifiers: Orphanet 3286, MedGen C1631597, MONDO:0011484, OMIM 604772.

Allele frequency attached by ClinVar (database versions not stated): gnomAD exomes 0.00034 and 0.00065; TOPMed 0.00040; ESP Exome Variant Server 0.00049; gnomAD 0.00031 and 0.00034; ExAC 0.00034.
gnomAD v4.1: 994 of 1,613,998 alleles (0.062%); highest among the groups gnomAD compares: Non-Finnish European, 0.076%; no homozygotes.

Submissions (8):

Labcorp Genetics (formerly Invitae), Labcorp
Classification: Uncertain significance for Catecholaminergic polymorphic ventricular tachycardia 1. Last evaluated: 2026-01-26. Review status: criteria provided, single submitter. Criteria: Invitae Variant Classification Sherloc (09022015). Collection method: clinical testing. Allele origin: germline.
Comment: This sequence change replaces valine, which is neutral and non-polar, with glutamic acid, which is acidic and polar, at codon 24 of the TRDN protein (p.Val24Glu). This variant is present in population databases (rs201097255, gnomAD 0.06%). This variant has not been reported in the literature in individuals affected with TRDN-related conditions. ClinVar contains an entry for this variant (Variation ID: 408736). Invitae Evidence Modeling of protein sequence and biophysical properties (such as structural, functional, and spatial information, amino acid conservation, physicochemical variation, residue mobility, and thermodynamic stability) has been performed for this missense variant. However, the output from this modeling did not meet the statistical confidence thresholds required to predict the impact of this variant on TRDN protein function. In summary, the available evidence is currently insufficient to determine the role of this variant in disease. Therefore, it has been classified as a Variant of Uncertain Significance.

Mayo Clinic Laboratories, Mayo Clinic
Classification: Uncertain significance. Last evaluated: 2025-04-03. Review status: criteria provided, single submitter. Criteria: ACMG Guidelines, 2015. Collection method: clinical testing. Allele origin: germline. Observed: 1 variant allele.

Ambry Genetics
Classification: Uncertain significance for Cardiovascular phenotype. Last evaluated: 2025-03-21. Review status: criteria provided, single submitter. Criteria: Ambry Variant Classification Scheme 2023. Collection method: clinical testing. Allele origin: germline.
Comment: The p.V24E variant (also known as c.71T>A), located in coding exon 2 of the TRDN gene, results from a T to A substitution at nucleotide position 71. The valine at codon 24 is replaced by glutamic acid, an amino acid with dissimilar properties. This amino acid position is not well conserved in available vertebrate species. In addition, the in silico prediction for this alteration is inconclusive. Since supporting evidence is limited at this time, the clinical significance of this alteration remains unclear.

Women's Health and Genetics/Laboratory Corporation of America, LabCorp
Classification: Uncertain significance. Last evaluated: 2025-02-24. Review status: criteria provided, single submitter. Criteria: LabCorp Variant Classification Summary - May 2015. Collection method: clinical testing. Allele origin: germline.

Blueprint Genetics
Classification: Uncertain significance. Last evaluated: 2024-11-04. Review status: criteria provided, single submitter. Criteria: ACMG Guidelines, 2015. Collection method: clinical testing. Allele origin: germline.

GeneDx
Classification: Uncertain significance. Last evaluated: 2024-04-16. Review status: criteria provided, single submitter. Criteria: GeneDx Variant Classification Process June 2021. Collection method: clinical testing. Allele origin: germline. Affected: yes.
Comment: In silico analysis supports that this missense variant has a deleterious effect on protein structure/function; Has not been previously published as pathogenic or benign to our knowledge

Fulgent Genetics
Classification: Uncertain significance for Catecholaminergic polymorphic ventricular tachycardia 1; Catecholaminergic polymorphic ventricular tachycardia 5. Last evaluated: 2021-11-05. Review status: criteria provided, single submitter. Criteria: ACMG Guidelines, 2015. Collection method: clinical testing. Allele origin: unknown.

Breakthrough Genomics
Classification: Uncertain significance. Review status: criteria provided, single submitter. Criteria: ACMG Guidelines, 2015. Collection method: not provided. Allele origin: germline. Inheritance: Autosomal recessive inheritance. Affected: yes.

NM_006073.4(TRDN):c.71T>A (p.Val24Glu)

Gene: TRDN (triadin; minus strand). Cytogenetic location: 6q22.31.
Variant type: single nucleotide variant.
Coding change: c.71T>A on transcript NM_006073.4 (MANE Select); coding-DNA position 71, T replaced by A.
Protein change: p.Val24Glu; replaces valine 24 with glutamic acid.
Molecular consequence: missense variant.
Genome position (GRCh38, 1-based): chr6:123,571,084, A>T on the plus strand (T>A on the coding strand, the complement: TRDN is on the minus strand). VCF-style: chr6-123571084-A-T. GRCh37 (hg19) VCF-style: chr6-123892229-A-T.
Other names: p.Val24Glu; c.71T>A, p.Val24Glu (NM_001251987.2, NM_001256020.2, NM_001256021.2 and 1 more transcripts); short protein forms V24E.
Identifiers: ClinVar variation 408736 (VCV000408736.23), dbSNP rs201097255, ClinGen allele CA3984484.